The following is an entry in ClinVar:

NM_001009944.3(PKD1):c.9530dup (p.Gly3177_Ser3178insTer)

Gene: PKD1 (polycystin 1, transient receptor potential channel interacting; minus strand). Cytogenetic location: 16p13.3.
Variant type: Duplication.
Coding change: c.9530dup on transcript NM_001009944.3 (MANE Select); coding-DNA position 9530, one base duplicated (G; older notation c.9530dupG).
Protein change: p.Gly3177_Ser3178insTer.
Molecular consequence: frameshift variant.
Genome position (GRCh38, 1-based): chr16:2,100,434, C duplicated on the plus strand (G on the coding strand, the reverse complement: PKD1 is on the minus strand); the first of 3 consecutive C bases (chr16:2,100,434-2,100,436); duplicating any one gives the same sequence. VCF-style (leftmost placement, unchanged base first): chr16-2100433-A-AC. GRCh37 (hg19) VCF-style: chr16-2150434-A-AC.
Other names: c.9530dup, p.Gly3177_Ser3178insTer (NM_000296.4).
Identifiers: ClinVar variation 3359024 (VCV003359024.2).
Genomic context (GRCh38, chr16:2,100,433, plus strand): 5'-AGCTTGGCAGGGTCCGCACAAACCTTTGTTGTCGTGCCACACTCGGATCTTCCACACGCT[A>AC]CCCAGGCTGTGCGGGGTGGCGATCCGGAAGATGTCCAGGCTGTTGCGGTGGAAGGCTCTG-3'

ClinVar aggregate classification (germline): Pathogenic (1 of 4 stars; one submission).

Conditions:
Polycystic kidney disease, adult type (PKD1). Also called: Polycystic Kidney, Autosomal Dominant; POLYCYSTIC KIDNEY DISEASE 1 WITH OR WITHOUT POLYCYSTIC LIVER DISEASE; POLYCYSTIC KIDNEY DISEASE, ADULT, TYPE I; Polycystic Kidney Disease 1, Autosomal Dominant; Polycystic kidney disease 1; Polycystic kidney disease 1, severe. Identifiers: MedGen C3149841, MONDO:0008263, OMIM 173900.

Submission:

Institute of Human Genetics, University of Leipzig Medical Center
Classification: Pathogenic for Polycystic kidney disease, adult type. Last evaluated: 2024-07-04. Review status: criteria provided, single submitter. Criteria: ACMG Guidelines, 2015. Collection method: clinical testing. Allele origin: unknown. Inheritance: Autosomal dominant inheritance. Affected: yes.
Comment: Criteria applied: PVS1,PS4_SUP,PM2